The following is an entry in ClinVar:

NM_001171613.2(PREPL):c.-36G>C

Gene: PREPL (prolyl endopeptidase like; minus strand). Cytogenetic location: 2p21.
Variant type: single nucleotide variant.
Coding change: c.-36G>C on transcript NM_001171613.2 (MANE Select); 36 bases upstream of the start codon, G replaced by C.
Molecular consequence: 5 prime UTR variant. On other transcripts: missense variant (7).
Genome position (GRCh38, 1-based): chr2:44,346,378, C>G on the plus strand (G>C on the coding strand, the complement: PREPL is on the minus strand). VCF-style: chr2-44346378-C-G. GRCh37 (hg19) VCF-style: chr2-44573517-C-G.
Other names: c.232G>C, p.Val78Leu (NM_006036.4, NM_001042385.2, NM_001042386.2 and 4 more transcripts); c.-36G>C (NM_001171617.1, NM_001374277.1); short protein forms V78L.
Identifiers: ClinVar variation 957548 (VCV000957548.9), dbSNP rs147513483, ClinGen allele CA346694098.

ClinVar aggregate classification (germline): Uncertain significance (1 of 4 stars; one submission).

Conditions:
Myasthenic syndrome, congenital, 22 (CMS22). Also called: PREPL DEFICIENCY. Identifiers: MedGen C4479088, MONDO:0044299, OMIM 616224.

Submission:

Labcorp Genetics (formerly Invitae), Labcorp
Classification: Uncertain significance for Myasthenic syndrome, congenital, 22. Last evaluated: 2019-09-15. Review status: criteria provided, single submitter. Criteria: Invitae Variant Classification Sherloc (09022015). Collection method: clinical testing. Allele origin: germline.
Comment: This sequence change replaces valine with leucine at codon 78 of the PREPL protein (p.Val78Leu). The valine residue is weakly conserved and there is a small physicochemical difference between valine and leucine. This variant is not present in population databases (ExAC no frequency). This variant has not been reported in the literature in individuals with PREPL-related conditions. In summary, the available evidence is currently insufficient to determine the role of this variant in disease. Therefore, it has been classified as a Variant of Uncertain Significance. Algorithms developed to predict the effect of missense changes on protein structure and function (SIFT, PolyPhen-2, Align-GVGD) all suggest that this variant is likely to be tolerated, but these predictions have not been confirmed by published functional studies and their clinical significance is uncertain.